The following is an entry in ClinVar:

NM_000521.4(HEXB):c.1603A>G (p.Arg535Gly)

Gene: HEXB (hexosaminidase subunit beta; plus strand). Cytogenetic location: 5q13.3.
Variant type: single nucleotide variant.
Coding change: c.1603A>G on transcript NM_000521.4 (MANE Select); coding-DNA position 1603, A replaced by G.
Protein change: p.Arg535Gly; replaces arginine 535 with glycine.
Molecular consequence: missense variant.
Genome position (GRCh38, 1-based): chr5:74,720,737, A>G. VCF-style: chr5-74720737-A-G. GRCh37 (hg19) VCF-style: chr5-74016562-A-G.
Other names: c.928A>G, p.Arg310Gly (NM_001292004.2); c.1603A>G (NM_000521.3); short protein forms R535G, R310G.
Identifiers: ClinVar variation 2201257 (VCV002201257.2), dbSNP rs1305643446, ClinGen allele CA360071599.

ClinVar aggregate classification (germline): Uncertain significance. Review status: criteria provided, multiple submitters, no conflicts (2 of 4 stars). 2 submissions from 2 submitters: Uncertain significance (2). Last evaluated 2023-10-05.

Conditions:
Sandhoff disease. Also called: Beta-hexosaminidase-beta-subunit deficiency; GM2 gangliosidosis, type 2; Total hexosaminidase deficiency; Sandhoff-Jatzkewitz-Pilz disease; GM2-GANGLIOSIDOSIS, TYPE II; HEXOSAMINIDASES A AND B DEFICIENCY. Identifiers: Orphanet 796, MedGen C0036161, MONDO:0010006, OMIM 268800.
Inborn genetic diseases. Identifiers: MedGen C0950123, MeSH D030342.

Allele frequency attached by ClinVar (database versions not stated): gnomAD exomes below 0.00001; gnomAD 0.00003; TOPMed 0.00003.
gnomAD v4.1: 6 of 1,612,546 alleles (0.00037%); highest among the groups gnomAD compares: African/African-American, 0.0053%; no homozygotes.

Submissions (2):

Ambry Genetics
Classification: Uncertain significance for Inborn genetic diseases. Last evaluated: 2023-10-05. Review status: criteria provided, single submitter. Criteria: Ambry Variant Classification Scheme 2023. Collection method: clinical testing. Allele origin: germline.

Labcorp Genetics (formerly Invitae), Labcorp
Classification: Uncertain significance for Sandhoff disease. Last evaluated: 2022-07-23. Review status: criteria provided, single submitter. Criteria: Invitae Variant Classification Sherloc (09022015). Collection method: clinical testing. Allele origin: germline.
Comment: This sequence change replaces arginine, which is basic and polar, with glycine, which is neutral and non-polar, at codon 535 of the HEXB protein (p.Arg535Gly). This variant is present in population databases (no rsID available, gnomAD 0.01%). This variant has not been reported in the literature in individuals affected with HEXB-related conditions. Advanced modeling of protein sequence and biophysical properties (such as structural, functional, and spatial information, amino acid conservation, physicochemical variation, residue mobility, and thermodynamic stability) performed at Invitae indicates that this missense variant is expected to disrupt HEXB protein function. In summary, the available evidence is currently insufficient to determine the role of this variant in disease. Therefore, it has been classified as a Variant of Uncertain Significance.